The following is an entry in ClinVar:

NM_007055.4(POLR3A):c.3282C>T (p.Asp1094=)

Genes: POLR3A (RNA polymerase III subunit A; minus strand), LOC126860970 (BRD4-independent group 4 enhancer GRCh37_chr10:79743812-79745011; plus strand). Cytogenetic location: 10q22.3.
Variant type: single nucleotide variant.
Coding change: c.3282C>T on transcript NM_007055.4 (MANE Select); coding-DNA position 3282, C replaced by T.
Protein change: p.Asp1094=; no amino-acid change (aspartic acid 1094 retained).
Molecular consequence: synonymous variant.
Genome position (GRCh38, 1-based): chr10:77,984,259, G>A on the plus strand (C>T on the coding strand, the complement: POLR3A is on the minus strand). VCF-style: chr10-77984259-G-A. GRCh37 (hg19) VCF-style: chr10-79744017-G-A.
Other names: c.3282C>T (NM_007055.3).
Identifiers: ClinVar variation 1587238 (VCV001587238.14), dbSNP rs557203539, ClinGen allele CA5570886.

ClinVar aggregate classification (germline): Likely benign. Review status: criteria provided, multiple submitters, no conflicts (2 of 4 stars). 3 submissions from 3 submitters: Likely benign (2). 1 of the submissions does not count toward it. Last evaluated 2026-03-01.

Conditions:
POLR3A-related disorder. Also called: POLR3A-related disorders; POLR3A-related condition. Identifiers: MedGen CN378587, MONDO:0700276.

Allele frequency attached by ClinVar (database versions not stated): gnomAD 0.00001; TOPMed 0.00002.
gnomAD v4.1: 74 of 1,613,066 alleles (0.0046%); highest among the groups gnomAD compares: South Asian, 0.0099%; no homozygotes.

Submissions (3):

CeGaT Center for Human Genetics Tuebingen
Classification: Likely benign. Last evaluated: 2026-03-01. Review status: criteria provided, single submitter. Criteria: CeGaT Center For Human Genetics Tuebingen Variant Classification Criteria Version 2. Collection method: clinical testing. Allele origin: germline. Affected: yes. Observed: 1 variant allele.
Comment: POLR3A: BP4, BP7

Labcorp Genetics (formerly Invitae), Labcorp
Classification: Likely benign. Last evaluated: 2025-07-29. Review status: criteria provided, single submitter. Criteria: Invitae Variant Classification Sherloc (09022015). Collection method: clinical testing. Allele origin: germline.

PreventionGenetics, part of Exact Sciences
Classification: Likely benign for POLR3A-related condition. Last evaluated: 2019-09-06. Review status: no assertion criteria provided. Collection method: clinical testing. Allele origin: germline. Not counted in ClinVar's aggregate classification.
Comment: This variant is classified as likely benign based on ACMG/AMP sequence variant interpretation guidelines (Richards et al. 2015 PMID: 25741868, with internal and published modifications).